The following is an entry in ClinVar:

ClinVar aggregate classification (germline): Uncertain significance (1 of 4 stars; one submission).

Conditions:
Hereditary spastic paraplegia 28. Also called: Spastic paraplegia 28, autosomal recessive. Identifiers: Orphanet 101008, MedGen C1836295, MONDO:0012256, OMIM 609340.

Submission:

Labcorp Genetics (formerly Invitae), Labcorp
Classification: Uncertain significance for Hereditary spastic paraplegia 28. Last evaluated: 2024-10-23. Review status: criteria provided, single submitter. Criteria: Invitae Variant Classification Sherloc (09022015). Collection method: clinical testing. Allele origin: germline.
Comment: This sequence change replaces glycine, which is neutral and non-polar, with valine, which is neutral and non-polar, at codon 535 of the DDHD1 protein (p.Gly535Val). This variant is not present in population databases (gnomAD no frequency). This variant has not been reported in the literature in individuals affected with DDHD1-related conditions. ClinVar contains an entry for this variant (Variation ID: 1966440). An algorithm developed to predict the effect of missense changes on protein structure and function (PolyPhen-2) suggests that this variant is likely to be disruptive. In summary, the available evidence is currently insufficient to determine the role of this variant in disease. Therefore, it has been classified as a Variant of Uncertain Significance.

NM_001160148.2(DDHD1):c.1583G>T (p.Gly528Val)

Gene: DDHD1 (DDHD domain containing 1; minus strand). Cytogenetic location: 14q22.1.
Variant type: single nucleotide variant.
Coding change: c.1583G>T on transcript NM_001160148.2 (MANE Select); coding-DNA position 1583, G replaced by T.
Protein change: p.Gly528Val; replaces glycine 528 with valine.
Molecular consequence: missense variant.
Genome position (GRCh38, 1-based): chr14:53,063,126, C>A on the plus strand (G>T on the coding strand, the complement: DDHD1 is on the minus strand). VCF-style: chr14-53063126-C-A. GRCh37 (hg19) VCF-style: chr14-53529844-C-A.
Other names: c.1604G>T, p.Gly535Val (NM_001160147.2); c.1583G>T, p.Gly528Val (NM_030637.3); short protein forms G535V, G528V.
Identifiers: ClinVar variation 1966440 (VCV001966440.5), dbSNP rs1883739217, ClinGen allele CA389763182.